The following is an entry in ClinVar:

ClinVar aggregate classification (germline): Uncertain significance (1 of 4 stars; one submission).

Conditions:
Developmental and epileptic encephalopathy, 1 (DEE1). Also called: OHTAHARA SYNDROME, X-LINKED; INFANTILE SPASM SYNDROME, X-LINKED 1; X-linked infantile spasms; West's syndrome; Tonic spasms with clustering, arrest of psychomotor development and hypsarrhythmia on EEG; X-Linked Infantile Spasm Syndrome. Identifiers: MedGen C3463992, MONDO:0010632, OMIM 308350. Disease mechanism: loss of function.
Intellectual disability, X-linked, with or without seizures, ARX-related. Also called: INTELLECTUAL DEVELOPMENTAL DISORDER, X-LINKED 29; MENTAL RETARDATION, X-LINKED 29; MENTAL RETARDATION, X-LINKED 32; MENTAL RETARDATION, X-LINKED 33; MENTAL RETARDATION, X-LINKED 38; MENTAL RETARDATION, X-LINKED 43. Identifiers: Orphanet 777, MedGen C0796244, MONDO:0010317, OMIM 300419.

Allele frequency attached by ClinVar (database versions not stated): gnomAD 0.00001.
gnomAD v4.1: 1 of 1,209,453 alleles (0.000083%); highest among the groups gnomAD compares: Admixed American, 0.0022%; no homozygotes.

Submission:

Labcorp Genetics (formerly Invitae), Labcorp
Classification: Uncertain significance for Developmental and epileptic encephalopathy, 1; Intellectual disability, X-linked, with or without seizures, ARX-related. Last evaluated: 2024-02-17. Review status: criteria provided, single submitter. Criteria: Invitae Variant Classification Sherloc (09022015). Collection method: clinical testing. Allele origin: germline.
Comment: This sequence change replaces lysine, which is basic and polar, with asparagine, which is neutral and polar, at codon 62 of the ARX protein (p.Lys62Asn). This variant is not present in population databases (gnomAD no frequency). This variant has not been reported in the literature in individuals affected with ARX-related conditions. ClinVar contains an entry for this variant (Variation ID: 1516845). Advanced modeling of protein sequence and biophysical properties (such as structural, functional, and spatial information, amino acid conservation, physicochemical variation, residue mobility, and thermodynamic stability) performed at Invitae indicates that this missense variant is not expected to disrupt ARX protein function with a negative predictive value of 95%. In summary, the available evidence is currently insufficient to determine the role of this variant in disease. Therefore, it has been classified as a Variant of Uncertain Significance.

NM_139058.3(ARX):c.186G>C (p.Lys62Asn)

Gene: ARX (aristaless related homeobox; minus strand). Cytogenetic location: Xp21.3.
Variant type: single nucleotide variant.
Coding change: c.186G>C on transcript NM_139058.3 (MANE Select); coding-DNA position 186, G replaced by C.
Protein change: p.Lys62Asn; replaces lysine 62 with asparagine.
Molecular consequence: missense variant.
Genome position (GRCh38, 1-based): chrX:25,015,552, C>G on the plus strand (G>C on the coding strand, the complement: ARX is on the minus strand). VCF-style: chrX-25015552-C-G. GRCh37 (hg19) VCF-style: chrX-25033669-C-G.
Other names: short protein forms K62N.
Identifiers: ClinVar variation 1516845 (VCV001516845.6), dbSNP rs2048723387, ClinGen allele CA412613711.